The following is an entry in ClinVar:

ClinVar aggregate classification (germline): Uncertain significance. Review status: criteria provided, multiple submitters, no conflicts (2 of 4 stars). 2 submissions from 2 submitters: Uncertain significance (2). Last evaluated 2024-02-15.

Conditions:
Inborn genetic diseases. Identifiers: MedGen C0950123, MeSH D030342.

gnomAD v4.1: 33 of 1,614,024 alleles (0.002%); highest among the groups gnomAD compares: South Asian, 0.034%; no homozygotes.

Submissions (2):

Labcorp Genetics (formerly Invitae), Labcorp
Classification: Uncertain significance. Last evaluated: 2024-02-15. Review status: criteria provided, single submitter. Criteria: Invitae Variant Classification Sherloc (09022015). Collection method: clinical testing. Allele origin: germline.
Comment: This sequence change replaces isoleucine, which is neutral and non-polar, with methionine, which is neutral and non-polar, at codon 1282 of the POLR3A protein (p.Ile1282Met). This variant is present in population databases (rs116197727, gnomAD 0.04%). This variant has not been reported in the literature in individuals affected with POLR3A-related conditions. ClinVar contains an entry for this variant (Variation ID: 2604079). Advanced modeling of protein sequence and biophysical properties (such as structural, functional, and spatial information, amino acid conservation, physicochemical variation, residue mobility, and thermodynamic stability) performed at Invitae indicates that this missense variant is not expected to disrupt POLR3A protein function with a negative predictive value of 80%. In summary, the available evidence is currently insufficient to determine the role of this variant in disease. Therefore, it has been classified as a Variant of Uncertain Significance.

Ambry Genetics
Classification: Uncertain significance for Inborn genetic diseases. Last evaluated: 2023-06-16. Review status: criteria provided, single submitter. Criteria: Ambry Variant Classification Scheme 2023. Collection method: clinical testing. Allele origin: germline.

NM_007055.4(POLR3A):c.3846C>G (p.Ile1282Met)

Gene: POLR3A (RNA polymerase III subunit A; minus strand). Cytogenetic location: 10q22.3.
Variant type: single nucleotide variant.
Coding change: c.3846C>G on transcript NM_007055.4 (MANE Select); coding-DNA position 3846, C replaced by G.
Protein change: p.Ile1282Met; replaces isoleucine 1282 with methionine.
Molecular consequence: missense variant.
Genome position (GRCh38, 1-based): chr10:77,981,473, G>C on the plus strand (C>G on the coding strand, the complement: POLR3A is on the minus strand). VCF-style: chr10-77981473-G-C. GRCh37 (hg19) VCF-style: chr10-79741231-G-C.
Other names: short protein forms I1282M.
Identifiers: ClinVar variation 2604079 (VCV002604079.4), dbSNP rs116197727, ClinGen allele CA5570680.